The following is an entry in ClinVar:

ClinVar aggregate classification (germline): Uncertain significance (1 of 4 stars; one submission).

Conditions:
Inborn genetic diseases. Identifiers: MedGen C0950123, MeSH D030342.

Submission:

Ambry Genetics
Classification: Uncertain significance for Inborn genetic diseases. Last evaluated: 2026-09-14. Review status: criteria provided, single submitter. Criteria: Ambry Variant Classification Scheme 2023. Collection method: clinical testing. Allele origin: germline.
Comment: The c.235A>G (p.M79V) alteration is located in exon 2 (coding exon 1) of the BMP2 gene. This alteration results from an A to G substitution at nucleotide position 235, causing the methionine (M) at amino acid position 79 to be replaced by a valine (V). This variant was not reported in population-based cohorts in the Genome Aggregation Database (gnomAD). This amino acid position is highly conserved in available vertebrate species. This alteration is predicted to be deleterious by in silico analysis. Based on insufficient or conflicting evidence, the clinical significance of this alteration remains unclear.

NM_001200.4(BMP2):c.235A>G (p.Met79Val)

Gene: BMP2 (bone morphogenetic protein 2; plus strand). Cytogenetic location: 20p12.3.
Variant type: single nucleotide variant.
Coding change: c.235A>G on transcript NM_001200.4 (MANE Select); coding-DNA position 235, A replaced by G.
Protein change: p.Met79Val; replaces methionine 79 with valine.
Molecular consequence: missense variant.
Genome position (GRCh38, 1-based): chr20:6,770,361, A>G. VCF-style: chr20-6770361-A-G. GRCh37 (hg19) VCF-style: chr20-6751008-A-G.
Other names: short protein forms M79V.
Identifiers: ClinVar variation 985607 (VCV000985607.4), dbSNP rs1986370535, ClinGen allele CA408260510.